The following is an entry in ClinVar:

ClinVar aggregate classification (germline): Uncertain significance (1 of 4 stars; one submission).

Conditions:
Familial thoracic aortic aneurysm and aortic dissection (TAAD). Also called: Thoracic aortic aneurysms and dissections. Identifiers: Orphanet 91387, MedGen C4707243, MONDO:0019625.

Submission:

Ambry Genetics
Classification: Uncertain significance for Familial thoracic aortic aneurysm and aortic dissection. Last evaluated: 2025-06-30. Review status: criteria provided, single submitter. Criteria: Ambry Variant Classification Scheme 2023. Collection method: clinical testing. Allele origin: germline.
Comment: The p.A473D variant (also known as c.1418C>A), located in coding exon 4 of the SKI gene, results from a C to A substitution at nucleotide position 1418. The alanine at codon 473 is replaced by aspartic acid, an amino acid with dissimilar properties. This amino acid position is conserved. In addition, this alteration is predicted to be tolerated by in silico analysis. Based on the available evidence, the clinical significance of this variant remains unclear.

NM_003036.4(SKI):c.1418C>A (p.Ala473Asp)

Gene: SKI (SKI proto-oncogene; plus strand). Cytogenetic location: 1p36.32.
Variant type: single nucleotide variant.
Coding change: c.1418C>A on transcript NM_003036.4 (MANE Select); coding-DNA position 1418, C replaced by A.
Protein change: p.Ala473Asp; replaces alanine 473 with aspartic acid.
Molecular consequence: missense variant.
Genome position (GRCh38, 1-based): chr1:2,304,046, C>A. VCF-style: chr1-2304046-C-A. GRCh37 (hg19) VCF-style: chr1-2235485-C-A.
Other names: short protein forms A473D.
Identifiers: ClinVar variation 4165703 (VCV004165703.1).
Genomic context (GRCh38, chr1:2,304,046, plus strand): 5'-GGAAGCGGAAGCTGACTGTGGACACCCCAGGAGCCCCAGAGACGCTGGCGCCCGTGGCTG[C>A]CCCAGAGGAGGACAAGGACTCGGAGGCGGAGGTGGAAGTTGAAAGCAGGGAGGAATGTAC-3'
Protein context (NP_003027.1, residues 463-483): GAPETLAPVA[Ala473Asp]PEEDKDSEAE